The following is an entry in ClinVar:

ClinVar aggregate classification (germline): Uncertain significance (1 of 4 stars; one submission).

Conditions:
Luscan-Lumish syndrome. Identifiers: Orphanet 597738, MedGen C4085873, MONDO:0014791, OMIM 616831.

Submission:

Labcorp Genetics (formerly Invitae), Labcorp
Classification: Uncertain significance for Luscan-Lumish syndrome. Last evaluated: 2020-11-23. Review status: criteria provided, single submitter. Criteria: Invitae Variant Classification Sherloc (09022015). Collection method: clinical testing. Allele origin: germline.
Comment: In summary, the available evidence is currently insufficient to determine the role of this variant in disease. Therefore, it has been classified as a Variant of Uncertain Significance. Algorithms developed to predict the effect of missense changes on protein structure and function (SIFT, PolyPhen-2, Align-GVGD) all suggest that this variant is likely to be tolerated, but these predictions have not been confirmed by published functional studies and their clinical significance is uncertain. This variant has not been reported in the literature in individuals with SETD2-related conditions. This variant is not present in population databases (ExAC no frequency). This sequence change replaces serine with arginine at codon 2327 of the SETD2 protein (p.Ser2327Arg). The serine residue is moderately conserved and there is a moderate physicochemical difference between serine and arginine.

NM_014159.7(SETD2):c.6981T>A (p.Ser2327Arg)

Gene: SETD2 (SET domain containing 2, histone lysine methyltransferase; minus strand). Cytogenetic location: 3p21.31.
Variant type: single nucleotide variant.
Coding change: c.6981T>A on transcript NM_014159.7 (MANE Select); coding-DNA position 6981, T replaced by A.
Protein change: p.Ser2327Arg; replaces serine 2327 with arginine.
Molecular consequence: missense variant. On other transcripts: non-coding transcript variant (1).
Genome position (GRCh38, 1-based): chr3:47,046,604, A>T on the plus strand (T>A on the coding strand, the complement: SETD2 is on the minus strand). VCF-style: chr3-47046604-A-T. GRCh37 (hg19) VCF-style: chr3-47088094-A-T.
Other names: c.6849T>A, p.Ser2283Arg (NM_001349370.3); short protein forms S2327R, S2283R.
Identifiers: ClinVar variation 1350594 (VCV001350594.8), dbSNP rs1018953967, ClinGen allele CA73789634.